The following is an entry in ClinVar:

NM_012275.3(IL36RN):c.28C>T (p.Arg10Ter)

Gene: IL36RN (interleukin 36 receptor antagonist; plus strand). Cytogenetic location: 2q14.1.
Variant type: single nucleotide variant.
Coding change: c.28C>T on transcript NM_012275.3 (MANE Select); coding-DNA position 28, C replaced by T.
Protein change: p.Arg10Ter; replaces arginine 10 with a stop codon.
Molecular consequence: nonsense.
Genome position (GRCh38, 1-based): chr2:113,059,466, C>T. VCF-style: chr2-113059466-C-T. GRCh37 (hg19) VCF-style: chr2-113817043-C-T.
Other names: c.28C>T, p.Arg10Ter (NM_173170.1); short protein forms R10*.
Identifiers: ClinVar variation 40007 (VCV000040007.6), dbSNP rs397514630, ClinGen allele CA130704.

ClinVar aggregate classification (germline): Conflicting classifications of pathogenicity. Review status: criteria provided, conflicting classifications (1 of 4 stars). 4 submissions from 4 submitters: Pathogenic (2); Uncertain significance (1). 1 of the submissions does not count toward it. Last evaluated 2025-08-11.

Conditions:
IL36RN-related disorders.
Acrodermatitis continua suppurativa of Hallopeau (PSORS14). Also called: Psoriasis 14, pustular; INTERLEUKIN 36 RECEPTOR ANTAGONIST DEFICIENCY; ACRODERMATITIS CONTINUA OF HALLOPEAU. Identifiers: Orphanet 163931, MedGen C0392439, MONDO:0013626, OMIM 614204.
Generalized pustular psoriasis. Identifiers: Orphanet 247353, MedGen C0343055, MONDO:0100491.

Allele frequency attached by ClinVar (database versions not stated): gnomAD 0.00001 and 0.00002; gnomAD exomes 0.00001 and 0.00005; ExAC 0.00002; TOPMed 0.00002.
gnomAD v4.1: 78 of 1,613,746 alleles (0.0048%); highest among the groups gnomAD compares: East Asian, 0.16%; no homozygotes.

Submissions (4):

Labcorp Genetics (formerly Invitae), Labcorp
Classification: Pathogenic for Generalized pustular psoriasis. Last evaluated: 2025-08-11. Review status: criteria provided, single submitter. Criteria: Invitae Variant Classification Sherloc (09022015). Collection method: clinical testing. Allele origin: germline.
Comment: This sequence change creates a premature translational stop signal (p.Arg10*) in the IL36RN gene. It is expected to result in an absent or disrupted protein product. Loss-of-function variants in IL36RN are known to be pathogenic (PMID: 23698098). This variant is present in population databases (rs397514630, gnomAD 0.01%). This premature translational stop signal has been observed in individual(s) with pustular psoriasis (PMID: 22428995, 23698098). ClinVar contains an entry for this variant (Variation ID: 40007). For these reasons, this variant has been classified as Pathogenic.

Blueprint Genetics
Classification: Pathogenic for IL36RN-related disorders. Last evaluated: 2023-08-23. Review status: criteria provided, single submitter. Criteria: ACMG Guidelines, 2015. Collection method: clinical testing. Allele origin: germline. Affected: yes. Observed: 3 variant alleles.

Soonchunhyang University Bucheon Hospital, Soonchunhyang University Medical Center
Classification: Uncertain significance for Acrodermatitis continua suppurativa of Hallopeau. Last evaluated: 2016-03-18. Review status: criteria provided, single submitter. Criteria: ACMG Guidelines, 2015. Collection method: reference population. Allele origin: germline. Observed: 1 variant allele.

OMIM
Classification: Pathogenic for PSORIASIS 14, PUSTULAR. Last evaluated: 2013-11-01. Review status: no assertion criteria provided. Collection method: literature only. Allele origin: germline. Not counted in ClinVar's aggregate classification.

Literature cited by the submitters: PubMed 23698098 (cited by Labcorp Genetics (formerly Invitae), Labcorp and OMIM); PubMed 22428995 (cited by Labcorp Genetics (formerly Invitae), Labcorp and Soonchunhyang University Bucheon Hospital, Soonchunhyang University Medical Center); PubMed 24898045 (cited by Soonchunhyang University Bucheon Hospital, Soonchunhyang University Medical Center); PubMed 23792462 (cited by Soonchunhyang University Bucheon Hospital, Soonchunhyang University Medical Center); PubMed 22903787 (cited by OMIM).